The following is an entry in ClinVar:

NM_020911.2(PLXNA4):c.1874C>T (p.Thr625Ile)

Gene: PLXNA4 (plexin A4; minus strand). Cytogenetic location: 7q32.3.
Variant type: single nucleotide variant.
Coding change: c.1874C>T on transcript NM_020911.2 (MANE Select); coding-DNA position 1874, C replaced by T.
Protein change: p.Thr625Ile; replaces threonine 625 with isoleucine.
Molecular consequence: missense variant.
Genome position (GRCh38, 1-based): chr7:132,227,459, G>A on the plus strand (C>T on the coding strand, the complement: PLXNA4 is on the minus strand). VCF-style: chr7-132227459-G-A. GRCh37 (hg19) VCF-style: chr7-131912218-G-A.
Other names: c.1874C>T, p.Thr625Ile (NM_001393897.1); short protein forms T625I.
Identifiers: ClinVar variation 4979202 (VCV004979202.1).
Genomic context (GRCh38, chr7:132,227,459, plus strand): 5'-TATCTAGCCAGGAGGAAGAAGTGCCACTCAGCTGTGCCTCCGGGATGCTCACCATTCTCT[G>A]TGATGATCCGGGGCACCTCCTTGGCTGCAGGGGAGTAGCACTGGATCTGATTGCCCACGA-3'
Protein context (NP_065962.1, residues 615-635): PAAKEVPRII[Thr625Ile]ENGDHHVVQL

ClinVar aggregate classification (germline): Uncertain significance (1 of 4 stars; one submission).

Conditions:
PLXNA4-related disorder. Also called: PLXNA4-related condition.

Submission:

PreventionGenetics, part of Exact Sciences
Classification: Uncertain significance for PLXNA4-related condition. Last evaluated: 2026-06-16. Review status: criteria provided, single submitter. Criteria: ACMG Guidelines, 2015. Collection method: clinical testing. Allele origin: germline.
Comment: The PLXNA4 c.1874C>T variant is predicted to result in the amino acid substitution p.Thr625Ile. To our knowledge, this variant has not been reported in the literature. This variant is reported in 0.026% of alleles in individuals of African descent in gnomAD. At this time, the clinical significance of this variant is uncertain due to the absence of conclusive functional and genetic evidence.